The following is an entry in ClinVar:

NM_001371928.1(AHDC1):c.1929G>A (p.Pro643=)

Gene: AHDC1 (AT-hook DNA binding motif containing 1; minus strand). Cytogenetic location: 1p36.11.
Variant type: single nucleotide variant.
Coding change: c.1929G>A on transcript NM_001371928.1 (MANE Select); coding-DNA position 1929, G replaced by A.
Protein change: p.Pro643=; no amino-acid change (proline 643 retained).
Molecular consequence: synonymous variant.
Genome position (GRCh38, 1-based): chr1:27,550,187, C>T on the plus strand (G>A on the coding strand, the complement: AHDC1 is on the minus strand). VCF-style: chr1-27550187-C-T. GRCh37 (hg19) VCF-style: chr1-27876698-C-T.
Other names: c.1929G>A, p.Pro643= (NM_001029882.3).
Identifiers: ClinVar variation 3031658 (VCV003031658.2), dbSNP rs1264963623, ClinGen allele CA416979450.

ClinVar aggregate classification (germline): Likely benign (0 of 4 stars; one submission).

Conditions:
AHDC1-related disorder. Also called: AHDC1-related condition.

Allele frequency attached by ClinVar (database versions not stated): gnomAD exomes below 0.00001; gnomAD 0.00001; TOPMed 0.00001.
gnomAD v4.1: 9 of 1,612,286 alleles (0.00056%); highest among the groups gnomAD compares: Middle Eastern, 0.016%; no homozygotes.

Submission:

PreventionGenetics, part of Exact Sciences
Classification: Likely benign for AHDC1-related condition. Last evaluated: 2024-02-21. Review status: no assertion criteria provided. Collection method: clinical testing. Allele origin: germline.
Comment: This variant is classified as likely benign based on ACMG/AMP sequence variant interpretation guidelines (Richards et al. 2015 PMID: 25741868, with internal and published modifications).